The following is an entry in ClinVar:

ClinVar aggregate classification (germline): Uncertain significance (1 of 4 stars; one submission).

Conditions:
Inborn genetic diseases. Identifiers: MedGen C0950123, MeSH D030342.

gnomAD v4.1: 3 of 1,613,666 alleles (0.00019%); highest among the groups gnomAD compares: Non-Finnish European, 0.00025%; no homozygotes.

Submission:

Ambry Genetics
Classification: Uncertain significance for Inborn genetic diseases. Last evaluated: 2025-02-22. Review status: criteria provided, single submitter. Criteria: Ambry Variant Classification Scheme 2023. Collection method: clinical testing. Allele origin: germline.
Comment: The p.L1268V variant (also known as c.3802C>G), located in coding exon 38 of the FANCA gene, results from a C to G substitution at nucleotide position 3802. The leucine at codon 1268 is replaced by valine, an amino acid with highly similar properties. This amino acid position is conserved. In addition, the in silico prediction for this alteration is inconclusive. Based on the available evidence, the clinical significance of this variant remains unclear.

NM_000135.4(FANCA):c.3802C>G (p.Leu1268Val)

Genes: FANCA (FA complementation group A; minus strand), ZNF276 (zinc finger protein 276; plus strand). Cytogenetic location: 16q24.3.
Variant type: single nucleotide variant.
Coding change: c.3802C>G on transcript NM_000135.4 (MANE Select); coding-DNA position 3802, C replaced by G.
Protein change: p.Leu1268Val; replaces leucine 1268 with valine.
Molecular consequence: missense variant. On other transcripts: 3 prime UTR variant (2), non-coding transcript variant (4).
Genome position (GRCh38, 1-based): chr16:89,740,830, G>C on the plus strand (C>G on the coding strand, the complement: FANCA is on the minus strand). VCF-style: chr16-89740830-G-C. GRCh37 (hg19) VCF-style: chr16-89807238-G-C.
Other names: c.3802C>G, p.Leu1268Val (NM_001286167.3); c.*2584G>C (NM_001113525.2, NM_152287.4); short protein forms L1268V.
Identifiers: ClinVar variation 3848259 (VCV003848259.1).